The following is an entry in ClinVar:

ClinVar aggregate classification (germline): Likely pathogenic (1 of 4 stars; one submission).

Conditions:
Peroxisome biogenesis disorder 4A (Zellweger) (PBD4A). Also called: Zellweger syndrome spectrum (PEX6-related). Identifiers: Orphanet 912, MedGen C3553936, MONDO:0013930, OMIM 614862. Disease mechanism: loss of function.

Allele frequency attached by ClinVar (database versions not stated): gnomAD exomes below 0.00001.

Submission:

Myriad Genetics, Inc.
Classification: Likely pathogenic for Peroxisome biogenesis disorder 4A (Zellweger). Last evaluated: 2022-01-21. Review status: criteria provided, single submitter. Criteria: Myriad Women's Health Autosomal Recessive and X-Linked Classification Criteria (2021). Collection method: clinical testing. Allele origin: unknown.
Comment: NM_000287.3(PEX6):c.2462delT(V821Gfs*13) is expected to be pathogenic in the context of peroxisome biogenesis disorder type 4. This variant is predicted to lead to an abnormal or absent protein product due to the creation of a premature termination codon in PEX6, a gene where loss-of-function variants are known to be pathogenic. Please note: this variant was assessed in the context of healthy population screening.

NM_000287.4(PEX6):c.2462del (p.Val821fs)

Gene: PEX6 (peroxisomal biogenesis factor 6; minus strand). Cytogenetic location: 6p21.1.
Variant type: Deletion.
Coding change: c.2462del on transcript NM_000287.4 (MANE Select); coding-DNA position 2462, one base deleted (T; older notation c.2462delT).
Protein change: p.Val821fs; shifts the reading frame from valine 821.
Molecular consequence: frameshift variant. On other transcripts: non-coding transcript variant (1).
Genome position (GRCh38, 1-based): chr6:42,965,690, A deleted on the plus strand (T on the coding strand, the reverse complement: PEX6 is on the minus strand). VCF-style (leftmost placement, unchanged base first): chr6-42965689-CA-C. GRCh37 (hg19) VCF-style: chr6-42933427-CA-C.
Other names: c.2198del, p.Val733fs (NM_001316313.2); short protein forms V733fs, V821fs.
Identifiers: ClinVar variation 1723985 (VCV001723985.2), dbSNP rs2481202482, ClinGen allele CA2580074589.